The following is an entry in ClinVar:

ClinVar aggregate classification (germline): Conflicting classifications of pathogenicity. Review status: criteria provided, conflicting classifications (1 of 4 stars). 4 submissions from 4 submitters: Uncertain significance (1); Benign (1); Likely benign (1). 1 of the submissions does not count toward it. Last evaluated 2025-02-11.

Conditions:
Polycystic kidney disease 4 (PKD4). Also called: PKD3; POLYCYSTIC KIDNEY AND HEPATIC DISEASE 1; POLYCYSTIC KIDNEY DISEASE, INFANTILE, TYPE I; POLYCYSTIC KIDNEY DISEASE 4 WITH OR WITHOUT POLYCYSTIC LIVER DISEASE; Autosomal Recessive Polycystic Kidney Disease – PKHD1. Identifiers: MedGen C4540575, MONDO:0033004, OMIM 263200.
Autosomal recessive polycystic kidney disease (ARPKD). Also called: AR polycystic kidney disease. Identifiers: Orphanet 731, Orphanet 8378, MedGen C0085548, MeSH D017044, MONDO:0009889.

Allele frequency attached by ClinVar (database versions not stated): gnomAD exomes 0.00001 and 0.00003; ExAC 0.00007; gnomAD 0.00014 and 0.00016; TOPMed 0.00018; ESP Exome Variant Server 0.00023; 1000 Genomes Project 0.00100; 1000 Genomes Project 30x 0.00109.
gnomAD v4.1: 51 of 1,614,182 alleles (0.0032%); highest among the groups gnomAD compares: African/African-American, 0.041%; 1 homozygote.

Submissions (4):

Labcorp Genetics (formerly Invitae), Labcorp
Classification: Benign for Autosomal recessive polycystic kidney disease. Last evaluated: 2025-02-11. Review status: criteria provided, single submitter. Criteria: Invitae Variant Classification Sherloc (09022015). Collection method: clinical testing. Allele origin: germline.

Fulgent Genetics
Classification: Likely benign for Polycystic kidney disease 4. Last evaluated: 2024-02-12. Review status: criteria provided, single submitter. Criteria: ACMG Guidelines, 2015. Collection method: clinical testing. Allele origin: germline.

Genetic Services Laboratory, University of Chicago
Classification: Uncertain significance. Last evaluated: 2023-03-01. Review status: criteria provided, single submitter. Criteria: ACMG Guidelines, 2015. Collection method: clinical testing. Allele origin: germline. Affected: no.
Comment: DNA sequence analysis of the PKHD1 gene demonstrated a sequence change, c.5093A>G, in exon 32 that results in an amino acid change, p.Asn1698Ser. This sequence change has been described in the gnomAD database with a frequency of 0.04% in the African/African American subpopulation and includes one individual homozygous for the variant (dbSNP rs148108992). The p.Asn1698Ser change affects a highly conserved amino acid residue located in a domain of the PKHD1 protein that is known to be functional. In-silico pathogenicity prediction tools (SIFT, PolyPhen2, Align GVGD, REVEL) provide contradictory results for the p.Asn1698Ser substitution. This sequence change does not appear to have been previously described in individuals with PKHD1-related disorders. Due to insufficient evidences and the lack of functional studies, the clinical significance of the p.Asn1698Ser change remains unknown at this time.

Natera, Inc.
Classification: Likely benign for Autosomal recessive polycystic kidney disease. Last evaluated: 2020-04-17. Review status: no assertion criteria provided. Collection method: clinical testing. Allele origin: germline. Not counted in ClinVar's aggregate classification.

NM_138694.4(PKHD1):c.5093A>G (p.Asn1698Ser)

Genes: PKHD1 (PKHD1 ciliary IPT domain containing fibrocystin/polyductin; minus strand), LOC126859690 (MED14-independent group 3 enhancer GRCh37_chr6:51888848-51890047; plus strand). Cytogenetic location: 6p12.2.
Variant type: single nucleotide variant.
Coding change: c.5093A>G on transcript NM_138694.4 (MANE Select); coding-DNA position 5093, A replaced by G.
Protein change: p.Asn1698Ser; replaces asparagine 1698 with serine.
Molecular consequence: missense variant.
Genome position (GRCh38, 1-based): chr6:52,024,717, T>C on the plus strand (A>G on the coding strand, the complement: PKHD1 is on the minus strand). VCF-style: chr6-52024717-T-C. GRCh37 (hg19) VCF-style: chr6-51889515-T-C.
Other names: c.5093A>G, p.Asn1698Ser (NM_170724.3); short protein forms N1698S.
Identifiers: ClinVar variation 702466 (VCV000702466.15), dbSNP rs148108992, ClinGen allele CA3852619.